The following is an entry in ClinVar:

NM_001164508.2(NEB):c.21344T>C (p.Leu7115Pro)

Genes: RIF1 (replication timing regulatory factor 1; plus strand), NEB (nebulin; minus strand). Cytogenetic location: 2q23.3.
Variant type: single nucleotide variant.
Coding change: c.21344T>C on transcript NM_001164508.2 (MANE Select); coding-DNA position 21344, T replaced by C.
Protein change: p.Leu7115Pro; replaces leucine 7115 with proline.
Molecular consequence: missense variant. On other transcripts: intron variant (2).
Genome position (GRCh38, 1-based): chr2:151,533,515, A>G on the plus strand (T>C on the coding strand, the complement: NEB is on the minus strand). VCF-style: chr2-151533515-A-G. GRCh37 (hg19) VCF-style: chr2-152390029-A-G.
Other names: c.21449T>C, p.Leu7150Pro (NM_001271208.2); c.16314+700T>C (NM_004543.5); c.21417+700T>C (NM_001164507.2); short protein forms L7150P, L7115P.
Identifiers: ClinVar variation 1395547 (VCV001395547.4), dbSNP rs1003798007, ClinGen allele CA57633912.

ClinVar aggregate classification (germline): Uncertain significance (1 of 4 stars; one submission).

Conditions:
Nemaline myopathy 2 (NEM2). Also called: Nemaline myopathy 2, autosomal recessive. Identifiers: MedGen C1850569, MONDO:0009725, OMIM 256030.

Allele frequency attached by ClinVar (database versions not stated): TOPMed 0.00001.
gnomAD v4.1: 1 of 1,551,394 alleles (0.000064%); highest among the groups gnomAD compares: Admixed American, 0.002%; no homozygotes.

Submission:

Labcorp Genetics (formerly Invitae), Labcorp
Classification: Uncertain significance for Nemaline myopathy 2. Last evaluated: 2025-02-17. Review status: criteria provided, single submitter. Criteria: Invitae Variant Classification Sherloc (09022015). Collection method: clinical testing. Allele origin: germline.
Comment: This sequence change replaces leucine, which is neutral and non-polar, with proline, which is neutral and non-polar, at codon 7150 of the NEB protein (p.Leu7150Pro). This variant is not present in population databases (gnomAD no frequency). This variant has not been reported in the literature in individuals affected with NEB-related conditions. ClinVar contains an entry for this variant (Variation ID: 1395547). Experimental studies and prediction algorithms are not available or were not evaluated, and the functional significance of this variant is currently unknown. In summary, the available evidence is currently insufficient to determine the role of this variant in disease. Therefore, it has been classified as a Variant of Uncertain Significance.